The following is an entry in ClinVar:

ClinVar aggregate classification (germline): Pathogenic (1 of 4 stars; one submission).

Conditions:
X-linked agammaglobulinemia with growth hormone deficiency (IGHD3). Also called: AGAMMAGLOBULINEMIA AND ISOLATED GROWTH HORMONE DEFICIENCY, X-LINKED; FLEISHER SYNDROME; Isolated growth hormone deficiency type 3; Growth hormone deficiency with hypogammaglobulinemia; HYPOGAMMAGLOBULINEMIA AND ISOLATED GROWTH HORMONE DEFICIENCY, X-LINKED; IGHD III. Identifiers: Orphanet 231692, Orphanet 631, MedGen C0472813, MONDO:0010615, OMIM 307200.

Submission:

Labcorp Genetics (formerly Invitae), Labcorp
Classification: Pathogenic for X-linked agammaglobulinemia with growth hormone deficiency. Last evaluated: 2024-02-06. Review status: criteria provided, single submitter. Criteria: Invitae Variant Classification Sherloc (09022015). Collection method: clinical testing. Allele origin: germline.
Comment: This sequence change affects a donor splice site in intron 17 of the BTK gene. It is expected to disrupt RNA splicing. Variants that disrupt the donor or acceptor splice site typically lead to a loss of protein function (PMID: 16199547), and loss-of-function variants in BTK are known to be pathogenic (PMID: 15661032, 16862044, 19419768). This variant is not present in population databases (gnomAD no frequency). Disruption of this splice site has been observed in individuals with X-linked agammaglobulinaemia (PMID: 15661032, 16712653). This variant is also known as IVS17+1G>A. Algorithms developed to predict the effect of sequence changes on RNA splicing suggest that this variant may disrupt the consensus splice site. For these reasons, this variant has been classified as Pathogenic.

Literature cited by the submitters: PubMed 16199547; PubMed 15661032; PubMed 16862044; PubMed 19419768; PubMed 16712653.

NM_000061.3(BTK):c.1750+1G>A

Gene: BTK (Bruton tyrosine kinase; minus strand). Cytogenetic location: Xq22.1.
Variant type: single nucleotide variant.
Coding change: c.1750+1G>A on transcript NM_000061.3 (MANE Select); the canonical splice donor site of the intron after coding-DNA position 1750, G replaced by A.
Molecular consequence: splice donor variant.
Genome position (GRCh38, 1-based): chrX:101,353,869, C>T on the plus strand (G>A on the coding strand, the complement: BTK is on the minus strand). VCF-style: chrX-101353869-C-T. GRCh37 (hg19) VCF-style: chrX-100608857-C-T.
Other names: c.1852+1G>A (NM_001287344.2); c.1222+1G>A (NM_001287345.2).
Identifiers: ClinVar variation 2737288 (VCV002737288.3), dbSNP rs2520533109, ClinGen allele CA413919866.